The following is an entry in ClinVar:

ClinVar aggregate classification (germline): Uncertain significance (1 of 4 stars; one submission).

Submission:

GeneDx
Classification: Uncertain significance. Last evaluated: 2022-09-06. Review status: criteria provided, single submitter. Criteria: GeneDx Variant Classification Process June 2021. Collection method: clinical testing. Allele origin: germline. Affected: yes.
Comment: In silico analysis supports that this missense variant has a deleterious effect on protein structure/function; Not observed at significant frequency in large population cohorts (gnomAD); Has not been previously published as pathogenic or benign to our knowledge

NM_004187.5(KDM5C):c.3820G>A (p.Glu1274Lys)

Gene: KDM5C (lysine demethylase 5C; minus strand). Cytogenetic location: Xp11.22.
Variant type: single nucleotide variant.
Coding change: c.3820G>A on transcript NM_004187.5 (MANE Select); coding-DNA position 3820, G replaced by A.
Protein change: p.Glu1274Lys; replaces glutamic acid 1274 with lysine.
Molecular consequence: missense variant. On other transcripts: non-coding transcript variant (3).
Genome position (GRCh38, 1-based): chrX:53,194,357, C>T on the plus strand (G>A on the coding strand, the complement: KDM5C is on the minus strand). VCF-style: chrX-53194357-C-T. GRCh37 (hg19) VCF-style: chrX-53223539-C-T.
Other names: c.3619G>A, p.Glu1207Lys (NM_001146702.2); c.3817G>A, p.Glu1273Lys (NM_001282622.3, NM_001353979.2, NM_001353982.2); c.3820G>A, p.Glu1274Lys (NM_001353978.3, NM_001353981.2, NM_001353984.2); short protein forms E1207K, E1273K, E1274K.
Identifiers: ClinVar variation 2442783 (VCV002442783.1), dbSNP rs2146820771, ClinGen allele CA413107051.